The following is an entry in ClinVar:

NM_001370259.2(MEN1):c.365C>G (p.Ser122Cys)

Gene: MEN1 (menin 1; minus strand). Cytogenetic location: 11q13.1.
Variant type: single nucleotide variant.
Coding change: c.365C>G on transcript NM_001370259.2 (MANE Select); coding-DNA position 365, C replaced by G.
Protein change: p.Ser122Cys; replaces serine 122 with cysteine.
Molecular consequence: missense variant. On other transcripts: non-coding transcript variant (4).
Genome position (GRCh38, 1-based): chr11:64,809,745, G>C on the plus strand (C>G on the coding strand, the complement: MEN1 is on the minus strand). VCF-style: chr11-64809745-G-C. GRCh37 (hg19) VCF-style: chr11-64577217-G-C.
Other names: c.365C>G, p.Ser122Cys (NM_000244.4, NM_001370251.2, NM_001370260.2 and 20 more transcripts); short protein forms S122C.
Identifiers: ClinVar variation 5024279 (VCV005024279.1).
Genomic context (GRCh38, chr11:64,809,745, plus strand): 5'-GACTGGATGTGGGCCCGATCCTTGAAGTAGGAGCGGCTGAGGCTGTTCCATATGACATCG[G>C]AGACCTTCTTCACCAGCTCACGGCTGGAGACACCCCCTTCTCGAGGATAGAGGGACAGGT-3'
Protein context (NP_001357188.2, residues 112-132): VSSRELVKKV[Ser122Cys]DVIWNSLSRS

ClinVar aggregate classification (germline): Uncertain significance (1 of 4 stars; one submission).

Conditions:
Hereditary cancer-predisposing syndrome. Also called: Neoplastic Syndromes, Hereditary; Tumor predisposition; Hereditary neoplastic syndrome; Hereditary Cancer Syndrome. Identifiers: Orphanet 140162, MedGen C0027672, MeSH D009386, MONDO:0015356.

Submission:

Ambry Genetics
Classification: Uncertain significance for Hereditary cancer-predisposing syndrome. Last evaluated: 2026-07-06. Review status: criteria provided, single submitter. Criteria: Ambry Variant Classification Scheme 2023. Collection method: clinical testing. Allele origin: germline.
Comment: The p.S122C variant (also known as c.365C>G), located in coding exon 1 of the MEN1 gene, results from a C to G substitution at nucleotide position 365. The serine at codon 122 is replaced by cysteine, an amino acid with dissimilar properties. This amino acid position is conserved. In addition, this alteration is predicted to be deleterious by in silico analysis. Based on the available evidence, the clinical significance of this variant remains unclear.